The following is an entry in ClinVar:

NM_006922.4(SCN3A):c.3970G>T (p.Val1324Phe)

Gene: SCN3A (sodium voltage-gated channel alpha subunit 3; minus strand). Cytogenetic location: 2q24.3.
Variant type: single nucleotide variant.
Coding change: c.3970G>T on transcript NM_006922.4 (MANE Select); coding-DNA position 3970, G replaced by T.
Protein change: p.Val1324Phe; replaces valine 1324 with phenylalanine.
Molecular consequence: missense variant.
Genome position (GRCh38, 1-based): chr2:165,097,521, C>A on the plus strand (G>T on the coding strand, the complement: SCN3A is on the minus strand). VCF-style: chr2-165097521-C-A. GRCh37 (hg19) VCF-style: chr2-165954031-C-A.
Other names: c.3823G>T, p.Val1275Phe (NM_001081676.2, NM_001081677.2); short protein forms V1324F, V1275F.
Identifiers: ClinVar variation 1521736 (VCV001521736.6), dbSNP rs2105649337, ClinGen allele CA349026114.

ClinVar aggregate classification (germline): Uncertain significance (1 of 4 stars; one submission).

Submission:

Labcorp Genetics (formerly Invitae), Labcorp
Classification: Uncertain significance. Last evaluated: 2021-12-15. Review status: criteria provided, single submitter. Criteria: Invitae Variant Classification Sherloc (09022015). Collection method: clinical testing. Allele origin: germline.
Comment: In summary, the available evidence is currently insufficient to determine the role of this variant in disease. Therefore, it has been classified as a Variant of Uncertain Significance. Algorithms developed to predict the effect of missense changes on protein structure and function are either unavailable or do not agree on the potential impact of this missense change (SIFT: "Deleterious"; PolyPhen-2: "Possibly Damaging"; Align-GVGD: "Class C0"). This variant has not been reported in the literature in individuals affected with SCN3A-related conditions. This variant is not present in population databases (gnomAD no frequency). This sequence change replaces valine, which is neutral and non-polar, with phenylalanine, which is neutral and non-polar, at codon 1324 of the SCN3A protein (p.Val1324Phe).